The following is an entry in ClinVar:

NM_139027.6(ADAMTS13):c.1528C>T (p.Pro510Ser)

Gene: ADAMTS13 (ADAM metallopeptidase with thrombospondin type 1 motif 13; plus strand). Cytogenetic location: 9q34.2.
Variant type: single nucleotide variant.
Coding change: c.1528C>T on transcript NM_139027.6 (MANE Select); coding-DNA position 1528, C replaced by T.
Protein change: p.Pro510Ser; replaces proline 510 with serine.
Molecular consequence: missense variant.
Genome position (GRCh38, 1-based): chr9:133,437,841, C>T. VCF-style: chr9-133437841-C-T. GRCh37 (hg19) VCF-style: chr9-136302961-C-T.
Other names: c.1528C>T, p.Pro510Ser (NM_139025.5); c.1435C>T, p.Pro479Ser (NM_139026.6); short protein forms P479S, P510S.
Identifiers: ClinVar variation 1718619 (VCV001718619.5), dbSNP rs2491211239, ClinGen allele CA375392437.

ClinVar aggregate classification (germline): Uncertain significance (1 of 4 stars; one submission).

Submission:

Labcorp Genetics (formerly Invitae), Labcorp
Classification: Uncertain significance. Last evaluated: 2022-07-19. Review status: criteria provided, single submitter. Criteria: Invitae Variant Classification Sherloc (09022015). Collection method: clinical testing. Allele origin: germline.
Comment: In summary, the available evidence is currently insufficient to determine the role of this variant in disease. Therefore, it has been classified as a Variant of Uncertain Significance. Algorithms developed to predict the effect of sequence changes on RNA splicing suggest that this variant may create or strengthen a splice site. Algorithms developed to predict the effect of missense changes on protein structure and function (SIFT, PolyPhen-2, Align-GVGD) all suggest that this variant is likely to be tolerated. This variant has not been reported in the literature in individuals affected with ADAMTS13-related conditions. This variant is not present in population databases (gnomAD no frequency). This sequence change replaces proline, which is neutral and non-polar, with serine, which is neutral and polar, at codon 510 of the ADAMTS13 protein (p.Pro510Ser).